The following is an entry in ClinVar:

ClinVar aggregate classification (germline): Likely pathogenic (1 of 4 stars; one submission).

Conditions:
Nemaline myopathy 2 (NEM2). Also called: Nemaline myopathy 2, autosomal recessive. Identifiers: MedGen C1850569, MONDO:0009725, OMIM 256030.

Submission:

Labcorp Genetics (formerly Invitae), Labcorp
Classification: Likely pathogenic for Nemaline myopathy 2. Last evaluated: 2023-11-21. Review status: criteria provided, single submitter. Criteria: Invitae Variant Classification Sherloc (09022015). Collection method: clinical testing. Allele origin: germline.
Comment: This sequence change affects a donor splice site in intron 116 of the NEB gene. It is expected to disrupt RNA splicing. Variants that disrupt the donor or acceptor splice site typically lead to a loss of protein function (PMID: 16199547), and loss-of-function variants in NEB are known to be pathogenic (PMID: 25205138). This variant is not present in population databases (gnomAD no frequency). This variant has not been reported in the literature in individuals affected with NEB-related conditions. ClinVar contains an entry for this variant (Variation ID: 1513590). Algorithms developed to predict the effect of sequence changes on RNA splicing suggest that this variant may disrupt the consensus splice site. In summary, the currently available evidence indicates that the variant is pathogenic, but additional data are needed to prove that conclusively. Therefore, this variant has been classified as Likely Pathogenic.

Literature cited by the submitters: PubMed 16199547; PubMed 25205138.

NM_001164508.2(NEB):c.18366+2T>C

Gene: NEB (nebulin; minus strand). Cytogenetic location: 2q23.3.
Variant type: single nucleotide variant.
Coding change: c.18366+2T>C on transcript NM_001164508.2 (MANE Select); the canonical splice donor site of the intron after coding-DNA position 18366, T replaced by C.
Molecular consequence: splice donor variant.
Genome position (GRCh38, 1-based): chr2:151,565,499, A>G on the plus strand (T>C on the coding strand, the complement: NEB is on the minus strand). VCF-style: chr2-151565499-A-G. GRCh37 (hg19) VCF-style: chr2-152422013-A-G.
Other names: c.13263+2T>C (NM_004543.5); c.18366+2T>C (NM_001164507.2, NM_001271208.2).
Identifiers: ClinVar variation 1513590 (VCV001513590.6), dbSNP rs2153729614, ClinGen allele CA348800965.